The following is an entry in ClinVar:

NM_002382.5(MAX):c.244C>T (p.Gln82Ter)

Gene: MAX (MYC associated transcriptional regulator X; minus strand). Cytogenetic location: 14q23.3.
Variant type: single nucleotide variant.
Coding change: c.244C>T on transcript NM_002382.5 (MANE Select); coding-DNA position 244, C replaced by T.
Protein change: p.Gln82Ter; replaces glutamine 82 with a stop codon.
Molecular consequence: nonsense. On other transcripts: 5 prime UTR variant (1), intron variant (2).
Genome position (GRCh38, 1-based): chr14:65,077,964, G>A on the plus strand (C>T on the coding strand, the complement: MAX is on the minus strand). VCF-style: chr14-65077964-G-A. GRCh37 (hg19) VCF-style: chr14-65544682-G-A.
Other names: c.-31C>T (NM_001320415.2, NM_001407105.1, NM_001407106.1 and 1 more transcripts); c.244C>T, p.Gln82Ter (NM_001407094.1, NM_001407096.1, NM_001407097.1 and 3 more transcripts); c.217C>T, p.Gln73Ter (NM_001407095.1, NM_001407099.1, NM_001407100.1 and 6 more transcripts); c.136C>T, p.Gln46Ter (NM_001407098.1); c.-124C>T (NM_001407111.1, NM_001407112.1); c.144+15744C>T (NM_001271069.2); c.171+15744C>T (NM_197957.4); short protein forms Q46*, Q73*, Q82*.
Identifiers: ClinVar variation 1791462 (VCV001791462.2), dbSNP rs2063104349, ClinGen allele CA390035607.

ClinVar aggregate classification (germline): Pathogenic (1 of 4 stars; one submission).

Conditions:
Hereditary cancer-predisposing syndrome. Also called: Hereditary Cancer Syndrome; Hereditary neoplastic syndrome; Tumor predisposition; Neoplastic Syndromes, Hereditary. Identifiers: Orphanet 140162, MedGen C0027672, MeSH D009386, MONDO:0015356.

Submission:

Ambry Genetics
Classification: Pathogenic for Hereditary cancer-predisposing syndrome. Last evaluated: 2021-04-19. Review status: criteria provided, single submitter. Criteria: Ambry Variant Classification Scheme 2023. Collection method: clinical testing. Allele origin: germline.
Comment: The p.Q82* pathogenic mutation (also known as c.244C>T), located in coding exon 4 of the MAX gene, results from a C to T substitution at nucleotide position 244. This changes the amino acid from a glutamine to a stop codon within coding exon 4. This alteration occurs at the 3' terminus of theMAX gene, is not expected to trigger nonsense-mediated mRNA decay, and only impacts the last 79 amino acids of the protein. However, premature stop codons are typically deleterious in nature and a significant portion of the protein is affected (Ambry internal data). This mutation and at least two other alterations resulting in downstream but premature protein truncation (p.Q91* and p.S107*) have been identified in individuals with personal and family histories of pheochromocytoma (Burnichon N et al. Clin Cancer Res, 2012 May;18:2828-37; Ambry internal data). This variant was not reported in population-based cohorts in the Genome Aggregation Database (gnomAD). Based on the supporting evidence, this alteration is interpreted as a disease-causing mutation.

Literature cited by the submitters: PubMed 22452945.